The following is an entry in ClinVar:

ClinVar aggregate classification (germline): Pathogenic/Likely pathogenic. Review status: criteria provided, multiple submitters, no conflicts (2 of 4 stars). 3 submissions from 3 submitters: Pathogenic (2); Likely pathogenic (1). Last evaluated 2024-08-27.

Conditions:
Hereditary cancer-predisposing syndrome. Also called: Hereditary Cancer Syndrome; Hereditary neoplastic syndrome; Neoplastic Syndromes, Hereditary; Tumor predisposition. Identifiers: Orphanet 140162, MedGen C0027672, MeSH D009386, MONDO:0015356.
Familial cancer of breast. Also called: BREAST CANCER, FAMILIAL; hereditary breast carcinoma; Hereditary breast cancer. Identifiers: Orphanet 227535, MedGen C0346153, MONDO:0016419, OMIM 114480. Disease mechanism: loss of function.

Submissions (3):

Myriad Genetics, Inc.
Classification: Pathogenic for Familial cancer of breast. Last evaluated: 2024-08-27. Review status: criteria provided, single submitter. Criteria: Myriad Autosomal Dominant, Autosomal Recessive and X-Linked Classification Criteria (2023). Collection method: clinical testing. Allele origin: unknown.
Comment: This variant is considered pathogenic. This variant creates a frameshift predicted to result in premature protein truncation.

Baylor Genetics
Classification: Likely pathogenic for Familial cancer of breast. Last evaluated: 2024-02-06. Review status: criteria provided, single submitter. Criteria: ACMG Guidelines, 2015. Collection method: clinical testing. Allele origin: unknown.

Ambry Genetics
Classification: Pathogenic for Hereditary cancer-predisposing syndrome. Last evaluated: 2021-05-12. Review status: criteria provided, single submitter. Criteria: Ambry Variant Classification Scheme 2023. Collection method: clinical testing. Allele origin: germline.
Comment: The c.616delT pathogenic mutation, located in coding exon 5 of the BRIP1 gene, results from a deletion of one nucleotide at nucleotide position 616, causing a translational frameshift with a predicted alternate stop codon (p.S206Rfs*68). This alteration is expected to result in loss of function by premature protein truncation or nonsense-mediated mRNA decay. As such, this alteration is interpreted as a disease-causing mutation.

NM_032043.3(BRIP1):c.616del (p.Ser206fs)

Gene: BRIP1 (BRCA1 interacting DNA helicase 1; minus strand). Cytogenetic location: 17q23.2.
Variant type: Deletion.
Coding change: c.616del on transcript NM_032043.3 (MANE Select); coding-DNA position 616, one base deleted (T; older notation c.616delT).
Protein change: p.Ser206fs; shifts the reading frame from serine 206.
Molecular consequence: frameshift variant.
Genome position (GRCh38, 1-based): chr17:61,847,112, A deleted on the plus strand (T on the coding strand, the reverse complement: BRIP1 is on the minus strand); the first of 4 consecutive A bases (chr17:61,847,112-61,847,115); deleting any one gives the same sequence. VCF-style (leftmost placement, unchanged base first): chr17-61847111-GA-G. GRCh37 (hg19) VCF-style: chr17-59924472-GA-G.
Other names: c.616delT (NM_032043.2); short protein forms S206fs.
Identifiers: ClinVar variation 1751994 (VCV001751994.4), dbSNP rs1603361558, ClinGen allele CA2580094478.